The following is an entry in ClinVar:

ClinVar aggregate classification (germline): Uncertain significance (1 of 4 stars; one submission).

Conditions:
Diamond-Blackfan anemia. Also called: Blackfan Diamond syndrome; Aregenerative anemia chronic congenital; Red cell aplasia, pure hereditary; Congenital hypoplastic anemia; Aase syndrome. Identifiers: Orphanet 124, MedGen C1260899, MeSH D029503, MONDO:0015253, HP:0004810.
GATA binding protein 1 related thrombocytopenia with dyserythropoiesis. Also called: GATA1-Related Cytopenia; GATA1-Related X-Linked Cytopenia. Identifiers: MedGen C1845837, MONDO:0100089.

Submission:

Labcorp Genetics (formerly Invitae), Labcorp
Classification: Uncertain significance for gene sequencing; Diamond-Blackfan anemia. Last evaluated: 2019-06-28. Review status: criteria provided, single submitter. Criteria: Invitae Variant Classification Sherloc (09022015). Collection method: clinical testing. Allele origin: germline.
Comment: This variant results in a copy number gain of the genomic region encompassing the full coding sequence of the GATA1 gene. The boundaries of this event are unknown as they extend beyond the assayed region for this gene and therefore may encompass additional genes. As the precise location of this event is unknown, it may be in tandem or it may be located elsewhere in the genome. This variant has not been reported in the literature in individuals with GATA1-related conditions. Experimental studies and prediction algorithms are not available for this variant, and the functional significance of the affected amino acid(s) is currently unknown. In summary, the available evidence is currently insufficient to determine the role of this variant in disease. Therefore, it has been classified as a Variant of Uncertain Significance.

NC_000023.10:g.(?_48543926)_(48652581_?)dup

Genes: GATA1 (GATA binding protein 1; plus strand), GLOD5 (glyoxalase domain containing 5; plus strand), SUV39H1 (SUV39H1 histone lysine methyltransferase; plus strand), WAS (WASP actin nucleation promoting factor; plus strand). Cytogenetic location: Xp11.23.
Variant type: Duplication.
Identifiers: ClinVar variation 832862 (VCV000832862.1).